The following is an entry in ClinVar:

NM_000059.4(BRCA2):c.2660A>G (p.Glu887Gly)

Gene: BRCA2 (BRCA2 DNA repair associated; plus strand). Cytogenetic location: 13q13.1.
Variant type: single nucleotide variant.
Coding change: c.2660A>G on transcript NM_000059.4 (MANE Select); coding-DNA position 2660, A replaced by G.
Protein change: p.Glu887Gly; replaces glutamic acid 887 with glycine.
Molecular consequence: missense variant.
Genome position (GRCh38, 1-based): chr13:32,337,015, A>G. VCF-style: chr13-32337015-A-G. GRCh37 (hg19) VCF-style: chr13-32911152-A-G.
Other names: short protein forms E887G.
Identifiers: ClinVar variation 141792 (VCV000141792.22), dbSNP rs587782015, ClinGen allele CA015980.

ClinVar aggregate classification (germline): Conflicting classifications of pathogenicity. Review status: criteria provided, conflicting classifications (1 of 4 stars). 8 submissions from 8 submitters: Uncertain significance (5); Likely benign (3). Last evaluated 2025-11-25.

Conditions:
BRCA2-related cancer predisposition. Identifiers: MedGen CN377758, MONDO:0700269.
Hereditary cancer-predisposing syndrome. Also called: Neoplastic Syndromes, Hereditary; Hereditary Cancer Syndrome; Hereditary neoplastic syndrome; Tumor predisposition. Identifiers: Orphanet 140162, MedGen C0027672, MeSH D009386, MONDO:0015356.
Hereditary breast ovarian cancer syndrome. Also called: Hereditary breast and ovarian cancer syndrome; Hereditary breast and/or ovarian cancer syndrome; BRCA1- and BRCA2-Associated Hereditary Breast and Ovarian Cancer; Hereditary breast and ovarian cancer; Breast and ovarian cancer; Hereditary breast and ovarian cancer syndrome (HBOC). Identifiers: Orphanet 145, MedGen C0677776, MeSH D061325, MONDO:0003582. Disease mechanism: loss of function.
Breast-ovarian cancer, familial, susceptibility to, 2 (BROVCA2). Also called: BRCA2 Hereditary Breast and Ovarian Cancer. Identifiers: Orphanet 145, MedGen C2675520, MONDO:0012933, OMIM 612555. Disease mechanism: loss of function.

Allele frequency attached by ClinVar (database versions not stated): gnomAD exomes below 0.00001.
gnomAD v4.1: 3 of 1,590,234 alleles (0.00019%); highest among the groups gnomAD compares: Non-Finnish European, 0.00017%; no homozygotes.

Submissions (8):

Labcorp Genetics (formerly Invitae), Labcorp
Classification: Likely benign for Hereditary breast ovarian cancer syndrome. Last evaluated: 2025-11-25. Review status: criteria provided, single submitter. Criteria: Invitae Variant Classification Sherloc (09022015). Collection method: clinical testing. Allele origin: germline.

Quest Diagnostics Nichols Institute San Juan Capistrano
Classification: Uncertain significance. Last evaluated: 2025-09-08. Review status: criteria provided, single submitter. Criteria: Quest Diagnostics criteria. Collection method: clinical testing. Allele origin: unknown.
Comment: The BRCA2 c.2660A>G (p.Glu887Gly) variant has been reported in the published literature to be located in a region of the BRCA2 gene that is tolerant to missense sequence changes (PMID: 31911673 (2020)). To the best of our knowledge, this variant has not been reported in individuals with BRCA2-related disorders. The frequency of this variant in the general population (Genome Aggregation Database) is uninformative in the assessment of its pathogenicity. Analysis of this variant using bioinformatics tools for the prediction of the effect of amino acid changes on protein structure and function yielded predictions that this variant is benign. Based on the available information, we are unable to determine the clinical significance of this variant.

Ambry Genetics
Classification: Uncertain significance for Hereditary cancer-predisposing syndrome. Last evaluated: 2025-07-14. Review status: criteria provided, single submitter. Criteria: Ambry Variant Classification Scheme 2023. Collection method: clinical testing. Allele origin: germline.
Comment: The p.E887G variant (also known as c.2660A>G), located in coding exon 10 of the BRCA2 gene, results from an A to G substitution at nucleotide position 2660. The glutamic acid at codon 887 is replaced by glycine, an amino acid with similar properties. This amino acid position is not well conserved in available vertebrate species. In addition, this alteration is predicted to be tolerated by in silico analysis. Since supporting evidence is limited at this time, the clinical significance of this alteration remains unclear.

All of Us Research Program, National Institutes of Health
Classification: Uncertain significance for BRCA2-related cancer predisposition. Last evaluated: 2024-07-29. Review status: criteria provided, single submitter. Criteria: ACMG Guidelines, 2015. Collection method: clinical testing. Allele origin: germline. Inheritance: Autosomal dominant inheritance. Observed: 3 variant alleles, 3 heterozygotes.
Comment: This missense variant replaces glutamic acid with glycine at codon 887 of the BRCA2 protein. Computational prediction suggests that this variant may not impact protein structure and function (internally defined REVEL score threshold <= 0.5, PMID: 27666373). To our knowledge, functional studies have not been reported for this variant. This variant has not been reported in individuals affected with hereditary cancer in the literature. This variant has been identified in 1/230764 chromosomes in the general population by the Genome Aggregation Database (gnomAD). The available evidence is insufficient to determine the role of this variant in disease conclusively. Therefore, this variant is classified as a Variant of Uncertain Significance.

This study involves interpretation of variants in research participants for the purpose of population health screening. Participant phenotype was not available at the time of variant classification. Additional details can be found in publication PMID: 35346344, PMCID: PMC8962531

Color Diagnostics, LLC DBA Color Health
Classification: Uncertain significance for Hereditary cancer-predisposing syndrome. Last evaluated: 2024-07-17. Review status: criteria provided, single submitter. Criteria: ACMG Guidelines, 2015. Collection method: clinical testing. Allele origin: germline.
Comment: This missense variant replaces glutamic acid with glycine at codon 887 of the BRCA2 protein. Computational prediction suggests that this variant may not impact protein structure and function. To our knowledge, functional studies have not been reported for this variant. This variant has not been reported in individuals affected with hereditary cancer in the literature. This variant has been identified in 1/230764 chromosomes in the general population by the Genome Aggregation Database (gnomAD). The available evidence is insufficient to determine the role of this variant in disease conclusively. Therefore, this variant is classified as a Variant of Uncertain Significance.

Myriad Genetics, Inc.
Classification: Likely benign for Breast-ovarian cancer, familial, susceptibility to, 2. Last evaluated: 2024-06-20. Review status: criteria provided, single submitter. Criteria: Myriad Autosomal Dominant, Autosomal Recessive and X-Linked Classification Criteria (2023). Collection method: clinical testing. Allele origin: unknown.
Comment: This variant is considered likely benign. This variant is strongly associated with less severe personal and family histories of cancer, typical for individuals without pathogenic variants in this gene [PMID: 25085752].

University of Washington Department of Laboratory Medicine, University of Washington
Classification: Likely benign for Hereditary cancer-predisposing syndrome. Last evaluated: 2023-03-23. Review status: criteria provided, single submitter. Criteria: Dines et al. (Genet Med. 2020). Collection method: curation. Allele origin: germline.
Comment: Missense variant in a coldspot region where missense variants are very unlikely to be pathogenic (PMID:31911673).

BRCA2 exon 11 coldspot. Reclassification based on statistical prior probability.

GeneDx
Classification: Uncertain significance. Last evaluated: 2016-05-09. Review status: criteria provided, single submitter. Criteria: GeneDx Variant Classification (06012015). Collection method: clinical testing. Allele origin: germline. Affected: yes.
Comment: This variant is denoted BRCA2 c.2660A>G at the cDNA level, p.Glu887Gly (E887G) at the protein level, and results in the change of a Glutamic Acid to a Glycine (GAG>GGG). Using alternate nomenclature, this variant would be defined as BRCA2 2888A>G. This variant has not, to our knowledge, been published in the literature as pathogenic or benign. BRCA2 Glu887Gly was not observed in approximately 6,500 individuals of European and African American ancestry in the NHLBI Exome Sequencing Project, suggesting it is not a common benign variant in these populations. Since Glutamic Acid and Glycine differ in polarity, charge, size or other properties, this is considered a non-conservative amino acid substitution. BRCA2 Glu887Gly occurs at a position that is not conserved and is not located in a known functional domain. In silico analyses predict that this variant is unlikely to alter protein structure or function. Based on currently available evidence, it is unclear whether BRCA2 Glu887Gly is a pathogenic or benign variant. We consider it to be a variant of uncertain significance.

Literature cited by the submitters: PubMed 31911673 (cited by Quest Diagnostics Nichols Institute San Juan Capistrano); PubMed 25085752 (cited by Myriad Genetics, Inc.).